The following is an entry in ClinVar:

NM_001369268.1(ACAN):c.31_32del (p.Leu11fs)

Gene: ACAN (aggrecan; plus strand). Cytogenetic location: 15q26.1.
Variant type: Microsatellite.
Coding change: c.31_32del on transcript NM_001369268.1 (MANE Select); coding-DNA positions 31 to 32, 2 bases deleted (CT; older notation c.31_32delCT).
Protein change: p.Leu11fs; shifts the reading frame from leucine 11.
Molecular consequence: frameshift variant.
Genome position (GRCh38, 1-based): chr15:88,836,237-88,836,238, CT deleted; deleting any 2 consecutive bases within chr15:88,836,235-88,836,238 gives the same sequence; the c. name uses the placement nearest the transcript's 3' end. VCF-style (leftmost placement, unchanged base first): chr15-88836234-ACT-A. GRCh37 (hg19) VCF-style: chr15-89379465-ACT-A.
Other names: c.31_32del, p.Leu11fs (NM_001135.4, NM_001411096.1, NM_001411097.1 and 1 more transcripts); short protein forms L11fs.
Identifiers: ClinVar variation 2756616 (VCV002756616.3), dbSNP rs2505207581, ClinGen allele CA2697549273.

ClinVar aggregate classification (germline): Pathogenic (1 of 4 stars; one submission).

Submission:

Labcorp Genetics (formerly Invitae), Labcorp
Classification: Pathogenic. Last evaluated: 2023-08-30. Review status: criteria provided, single submitter. Criteria: Invitae Variant Classification Sherloc (09022015). Collection method: clinical testing. Allele origin: germline.
Comment: For these reasons, this variant has been classified as Pathogenic. This variant has not been reported in the literature in individuals affected with ACAN-related conditions. This variant is not present in population databases (gnomAD no frequency). This sequence change creates a premature translational stop signal (p.Leu11Glufs*15) in the ACAN gene. It is expected to result in an absent or disrupted protein product. Loss-of-function variants in ACAN are known to be pathogenic (PMID: 16080123, 24762113).

Literature cited by the submitters: PubMed 16080123; PubMed 24762113.